The following is an entry in ClinVar:

NM_004560.4(ROR2):c.2191G>A (p.Glu731Lys)

Gene: ROR2 (receptor tyrosine kinase like orphan receptor 2; minus strand). Cytogenetic location: 9q22.31.
Variant type: single nucleotide variant.
Coding change: c.2191G>A on transcript NM_004560.4 (MANE Select); coding-DNA position 2191, G replaced by A.
Protein change: p.Glu731Lys; replaces glutamic acid 731 with lysine.
Molecular consequence: missense variant.
Genome position (GRCh38, 1-based): chr9:91,724,303, C>T on the plus strand (G>A on the coding strand, the complement: ROR2 is on the minus strand). VCF-style: chr9-91724303-C-T. GRCh37 (hg19) VCF-style: chr9-94486585-C-T.
Other names: short protein forms E731K.
Identifiers: ClinVar variation 2885871 (VCV002885871.3), dbSNP rs757252249, ClinGen allele CA5120463.

ClinVar aggregate classification (germline): Uncertain significance (1 of 4 stars; one submission).

Allele frequency attached by ClinVar (database versions not stated): gnomAD 0.00001; ExAC 0.00002; gnomAD exomes 0.00002; TOPMed 0.00002.
gnomAD v4.1: 27 of 1,613,012 alleles (0.0017%); highest among the groups gnomAD compares: Middle Eastern, 0.033%; no homozygotes.

Submission:

Labcorp Genetics (formerly Invitae), Labcorp
Classification: Uncertain significance. Last evaluated: 2024-09-23. Review status: criteria provided, single submitter. Criteria: Invitae Variant Classification Sherloc (09022015). Collection method: clinical testing. Allele origin: germline.
Comment: This sequence change replaces glutamic acid, which is acidic and polar, with lysine, which is basic and polar, at codon 731 of the ROR2 protein (p.Glu731Lys). This variant is present in population databases (rs757252249, gnomAD 0.006%). This variant has not been reported in the literature in individuals affected with ROR2-related conditions. Invitae Evidence Modeling of protein sequence and biophysical properties (such as structural, functional, and spatial information, amino acid conservation, physicochemical variation, residue mobility, and thermodynamic stability) indicates that this missense variant is not expected to disrupt ROR2 protein function with a negative predictive value of 80%. In summary, the available evidence is currently insufficient to determine the role of this variant in disease. Therefore, it has been classified as a Variant of Uncertain Significance.